The following is an entry in ClinVar:

ClinVar aggregate classification (germline): Benign/Likely benign. Review status: criteria provided, multiple submitters, no conflicts (2 of 4 stars). 5 submissions from 5 submitters: Benign (1); Likely benign (4). Last evaluated 2025-10-23.

Conditions:
Hereditary cancer-predisposing syndrome. Also called: Tumor predisposition; Neoplastic Syndromes, Hereditary; Hereditary neoplastic syndrome; Hereditary Cancer Syndrome. Identifiers: Orphanet 140162, MedGen C0027672, MeSH D009386, MONDO:0015356.
Hereditary nonpolyposis colorectal neoplasms. Identifiers: MedGen C0009405, MeSH D003123.
Lynch syndrome 5 (LYNCH5). Also called: Hereditary non-polyposis colorectal cancer, type 5; Colorectal cancer, hereditary nonpolyposis, type 5. Identifiers: Orphanet 144, MedGen C1833477, MONDO:0013710, OMIM 614350. Disease mechanism: loss of function.

Allele frequency attached by ClinVar (database versions not stated): gnomAD 0.00001.

Submissions (5):

Labcorp Genetics (formerly Invitae), Labcorp
Classification: Likely benign for Hereditary nonpolyposis colorectal neoplasms. Last evaluated: 2025-10-23. Review status: criteria provided, single submitter. Criteria: Invitae Variant Classification Sherloc (09022015). Collection method: clinical testing. Allele origin: germline.

Myriad Genetics, Inc.
Classification: Benign for Lynch syndrome 5. Last evaluated: 2024-12-26. Review status: criteria provided, single submitter. Criteria: Myriad Autosomal Dominant, Autosomal Recessive and X-Linked Classification Criteria (2023). Collection method: clinical testing. Allele origin: unknown.
Comment: This variant is considered benign. This variant is a silent/synonymous amino acid change and it is not expected to impact splicing.

Quest Diagnostics Nichols Institute San Juan Capistrano
Classification: Likely benign. Last evaluated: 2021-08-25. Review status: criteria provided, single submitter. Criteria: Quest Diagnostics criteria. Collection method: clinical testing. Allele origin: unknown.

Ambry Genetics
Classification: Likely benign for Hereditary cancer-predisposing syndrome. Last evaluated: 2020-08-15. Review status: criteria provided, single submitter. Criteria: Ambry Variant Classification Scheme 2023. Collection method: clinical testing. Allele origin: germline.

Women's Health and Genetics/Laboratory Corporation of America, LabCorp
Classification: Likely benign. Last evaluated: 2019-08-29. Review status: criteria provided, single submitter. Criteria: LabCorp Variant Classification Summary - May 2015. Collection method: clinical testing. Allele origin: germline.

NM_000179.3(MSH6):c.1395A>G (p.Ala465=)

Gene: MSH6 (mutS homolog 6; plus strand). Cytogenetic location: 2p16.3.
Variant type: single nucleotide variant.
Coding change: c.1395A>G on transcript NM_000179.3 (MANE Select); coding-DNA position 1395, A replaced by G.
Protein change: p.Ala465=; no amino-acid change (alanine 465 retained).
Molecular consequence: synonymous variant.
Genome position (GRCh38, 1-based): chr2:47,799,378, A>G. VCF-style: chr2-47799378-A-G. GRCh37 (hg19) VCF-style: chr2-48026517-A-G.
Other names: c.1005A>G, p.Ala335= (NM_001281492.2); c.489A>G, p.Ala163= (NM_001281493.2, NM_001281494.2).
Identifiers: ClinVar variation 633318 (VCV000633318.15), dbSNP rs1057520322, ClinGen allele CA426121149.